The following is an entry in ClinVar:

NM_000387.6(SLC25A20):c.763_764delinsAT (p.Glu255Met)

Gene: SLC25A20 (solute carrier family 25 member 20; minus strand). Cytogenetic location: 3p21.31.
Variant type: Indel.
Coding change: c.763_764delinsAT on transcript NM_000387.6 (MANE Select); coding-DNA positions 763 to 764, GA replaced by AT.
Protein change: p.Glu255Met; replaces glutamic acid 255 with methionine.
Molecular consequence: missense variant.
Genome position (GRCh38, 1-based): chr3:48,858,586-48,858,587, TC replaced by AT on the plus strand (GA replaced by AT on the coding strand, the reverse complement: SLC25A20 is on the minus strand). VCF-style: chr3-48858586-TC-AT. GRCh37 (hg19) VCF-style: chr3-48896019-TC-AT.
Other names: short protein forms E255M.
Identifiers: ClinVar variation 1306887 (VCV001306887.3), dbSNP rs2106637527, ClinGen allele CA2573052195.

ClinVar aggregate classification (germline): Uncertain significance. Review status: criteria provided, multiple submitters, no conflicts (2 of 4 stars). 2 submissions from 2 submitters: Uncertain significance (2). Last evaluated 2022-04-21.

Conditions:
Carnitine acylcarnitine translocase deficiency (CACTD). Identifiers: Orphanet 159, MedGen C0342791, MONDO:0008918, OMIM 212138.

Submissions (2):

Labcorp Genetics (formerly Invitae), Labcorp
Classification: Uncertain significance for Carnitine acylcarnitine translocase deficiency. Last evaluated: 2022-04-21. Review status: criteria provided, single submitter. Criteria: Invitae Variant Classification Sherloc (09022015). Collection method: clinical testing. Allele origin: germline.
Comment: This sequence change replaces glutamic acid, which is acidic and polar, with methionine, which is neutral and non-polar, at codon 255 of the SLC25A20 protein (p.Glu255Met). The frequency data for this variant in the population databases is considered unreliable, as metrics indicate poor data quality at this position in the gnomAD database. This variant has not been reported in the literature in individuals affected with SLC25A20-related conditions. ClinVar contains an entry for this variant (Variation ID: 1306887). Algorithms developed to predict the effect of missense changes on protein structure and function are either unavailable or do not agree on the potential impact of this missense change (SIFT: "Not Available"; PolyPhen-2: "Probably Damaging"; Align-GVGD: "Not Available"). In summary, the available evidence is currently insufficient to determine the role of this variant in disease. Therefore, it has been classified as a Variant of Uncertain Significance.

GeneDx
Classification: Uncertain significance. Last evaluated: 2019-07-08. Review status: criteria provided, single submitter. Criteria: GeneDx Variant Classification Process June 2021. Collection method: clinical testing. Allele origin: germline. Affected: yes.
Comment: Not observed at a significant frequency in large population cohorts (Lek et al., 2016); In silico analysis, which includes protein predictors and evolutionary conservation, supports a deleterious effect; Has not been previously published as pathogenic or benign to our knowledge